The following is an entry in ClinVar:

NM_017612.5(ZCCHC8):c.1339G>A (p.Asp447Asn)

Gene: ZCCHC8 (zinc finger CCHC-type containing 8; minus strand). Cytogenetic location: 12q24.31.
Variant type: single nucleotide variant.
Coding change: c.1339G>A on transcript NM_017612.5 (MANE Select); coding-DNA position 1339, G replaced by A.
Protein change: p.Asp447Asn; replaces aspartic acid 447 with asparagine.
Molecular consequence: missense variant.
Genome position (GRCh38, 1-based): chr12:122,477,847, C>T on the plus strand (G>A on the coding strand, the complement: ZCCHC8 is on the minus strand). VCF-style: chr12-122477847-C-T. GRCh37 (hg19) VCF-style: chr12-122962394-C-T.
Other names: c.1108G>A, p.Asp370Asn (NM_001350935.2); c.1042G>A, p.Asp348Asn (NM_001350936.2); c.625G>A, p.Asp209Asn (NM_001350937.2, NM_001350938.2); c.1339G>A (NM_017612.3); short protein forms D447N, D209N, D348N, D370N.
Identifiers: ClinVar variation 1990832 (VCV001990832.5), dbSNP rs781567724, ClinGen allele CA6846214.

ClinVar aggregate classification (germline): Uncertain significance. Review status: criteria provided, multiple submitters, no conflicts (2 of 4 stars). 2 submissions from 2 submitters: Uncertain significance (2). Last evaluated 2024-03-27.

Allele frequency attached by ClinVar (database versions not stated): gnomAD exomes 0.00001; ExAC 0.00002.
gnomAD v4.1: 12 of 1,607,458 alleles (0.00075%); highest among the groups gnomAD compares: African/African-American, 0.0054%; no homozygotes.

Submissions (2):

Labcorp Genetics (formerly Invitae), Labcorp
Classification: Uncertain significance. Last evaluated: 2024-03-27. Review status: criteria provided, single submitter. Criteria: Invitae Variant Classification Sherloc (09022015). Collection method: clinical testing. Allele origin: germline.
Comment: This sequence change replaces aspartic acid, which is acidic and polar, with asparagine, which is neutral and polar, at codon 447 of the ZCCHC8 protein (p.Asp447Asn). This variant is present in population databases (rs781567724, gnomAD 0.02%). This variant has not been reported in the literature in individuals affected with ZCCHC8-related conditions. ClinVar contains an entry for this variant (Variation ID: 1990832). Advanced modeling of protein sequence and biophysical properties (such as structural, functional, and spatial information, amino acid conservation, physicochemical variation, residue mobility, and thermodynamic stability) performed at Invitae indicates that this missense variant is expected to disrupt ZCCHC8 protein function with a positive predictive value of 80%. In summary, the available evidence is currently insufficient to determine the role of this variant in disease. Therefore, it has been classified as a Variant of Uncertain Significance.

Ambry Genetics
Classification: Uncertain significance. Last evaluated: 2023-09-23. Review status: criteria provided, single submitter. Criteria: Ambry Variant Classification Scheme 2023. Collection method: clinical testing. Allele origin: germline.